The following is an entry in ClinVar:

NM_001370658.1(BTD):c.765G>C (p.Gln255His)

Gene: BTD (biotinidase; plus strand). Cytogenetic location: 3p25.1.
Variant type: single nucleotide variant.
Coding change: c.765G>C on transcript NM_001370658.1 (MANE Select); coding-DNA position 765, G replaced by C.
Protein change: p.Gln255His; replaces glutamine 255 with histidine.
Molecular consequence: missense variant. On other transcripts: intron variant (1).
Genome position (GRCh38, 1-based): chr3:15,644,681, G>C. VCF-style: chr3-15644681-G-C. GRCh37 (hg19) VCF-style: chr3-15686188-G-C.
Other names: c.765G>C, p.Gln255His (NM_001370752.1, NM_001407364.1, NM_001407365.1 and 18 more transcripts); c.399+2624G>C (NM_001370753.1); c.825G>C (NM_000060.2); c.825G>C, p.Gln275His (NM_000060.4); short protein forms Q255H, Q275H.
Identifiers: ClinVar variation 1922935 (VCV001922935.3), dbSNP rs980083786, ClinGen allele CA70622231.
Genomic context (GRCh38, chr3:15,644,681, plus strand): 5'-CAGAGTCCTCAGAGACTACAAGGTGAAGCATGTTGTGTACCCAACTGCCTGGATGAACCA[G>C]CTCCCACTCTTGGCAGCAATTGAGATTCAGAAAGCTTTTGCTGTTGCCTTTGGCATCAAC-3'
Protein context (NP_001357587.1, residues 245-265): HVVYPTAWMN[Gln255His]LPLLAAIEIQ

ClinVar aggregate classification (germline): Uncertain significance. Review status: criteria provided, multiple submitters, no conflicts (2 of 4 stars). 2 submissions from 2 submitters: Uncertain significance (2). Last evaluated 2024-10-07.

Conditions:
Biotinidase deficiency. Also called: BTD deficiency; Late-onset biotin-responsive multiple carboxylase deficiency; Biotin deficiency. Identifiers: Orphanet 79241, MedGen C0220754, MONDO:0009665, OMIM 253260.
Inborn genetic diseases. Identifiers: MedGen C0950123, MeSH D030342.

Allele frequency attached by ClinVar (database versions not stated): gnomAD exomes below 0.00001; TOPMed below 0.00001; gnomAD 0.00001.
gnomAD v4.1: 3 of 1,614,068 alleles (0.00019%); highest among the groups gnomAD compares: African/African-American, 0.0013%; no homozygotes.

Submissions (2):

Ambry Genetics
Classification: Uncertain significance for Inborn genetic diseases. Last evaluated: 2024-10-07. Review status: criteria provided, single submitter. Criteria: Ambry Variant Classification Scheme 2023. Collection method: clinical testing. Allele origin: germline.

Labcorp Genetics (formerly Invitae), Labcorp
Classification: Uncertain significance for Biotinidase deficiency. Last evaluated: 2022-04-30. Review status: criteria provided, single submitter. Criteria: Invitae Variant Classification Sherloc (09022015). Collection method: clinical testing. Allele origin: germline.
Comment: This sequence change replaces glutamine, which is neutral and polar, with histidine, which is basic and polar, at codon 275 of the BTD protein (p.Gln275His). This variant is present in population databases (no rsID available, gnomAD 0.002%). This variant has not been reported in the literature in individuals affected with BTD-related conditions. Algorithms developed to predict the effect of missense changes on protein structure and function are either unavailable or do not agree on the potential impact of this missense change (SIFT: "Deleterious"; PolyPhen-2: "Benign"; Align-GVGD: "Class C15"). In summary, the available evidence is currently insufficient to determine the role of this variant in disease. Therefore, it has been classified as a Variant of Uncertain Significance.